The following is an entry in ClinVar:

NM_001042492.3(NF1):c.2044C>A (p.Gln682Lys)

Gene: NF1 (neurofibromin 1; plus strand). Cytogenetic location: 17q11.2.
Variant type: single nucleotide variant.
Coding change: c.2044C>A on transcript NM_001042492.3 (MANE Select); coding-DNA position 2044, C replaced by A.
Protein change: p.Gln682Lys; replaces glutamine 682 with lysine.
Molecular consequence: missense variant.
Genome position (GRCh38, 1-based): chr17:31,226,477, C>A. VCF-style: chr17-31226477-C-A. GRCh37 (hg19) VCF-style: chr17-29553495-C-A.
Other names: c.2044C>A, p.Gln682Lys (NM_000267.4); short protein forms Q682K.
Identifiers: ClinVar variation 2120823 (VCV002120823.4), dbSNP rs1597712392, ClinGen allele CA398982067.

ClinVar aggregate classification (germline): Uncertain significance (1 of 4 stars; one submission).

Conditions:
Neurofibromatosis, type 1 (NF1). Also called: NEUROFIBROMATOSIS, TYPE I, SOMATIC; Neurofibromatosis, type I; Peripheral type neurofibromatosis; VON RECKLINGHAUSEN DISEASE. Identifiers: Orphanet 636, MedGen C0027831, MONDO:0018975, OMIM 162200. Disease mechanism: loss of function.

Submission:

Labcorp Genetics (formerly Invitae), Labcorp
Classification: Uncertain significance for Neurofibromatosis, type 1. Last evaluated: 2022-04-02. Review status: criteria provided, single submitter. Criteria: Invitae Variant Classification Sherloc (09022015). Collection method: clinical testing. Allele origin: germline.
Comment: This sequence change replaces glutamine, which is neutral and polar, with lysine, which is basic and polar, at codon 682 of the NF1 protein (p.Gln682Lys). This variant is not present in population databases (gnomAD no frequency). This variant has not been reported in the literature in individuals affected with NF1-related conditions. Algorithms developed to predict the effect of missense changes on protein structure and function are either unavailable or do not agree on the potential impact of this missense change (SIFT: "Tolerated"; PolyPhen-2: "Probably Damaging"; Align-GVGD: "Class C0"). In summary, the available evidence is currently insufficient to determine the role of this variant in disease. Therefore, it has been classified as a Variant of Uncertain Significance.